The following is an entry in ClinVar:

ClinVar aggregate classification (germline): Uncertain significance (1 of 4 stars; one submission).

Conditions:
Autosomal recessive limb-girdle muscular dystrophy type 2E (LGMDR4). Also called: MUSCULAR DYSTROPHY, LIMB-GIRDLE, AUTOSOMAL RECESSIVE 4. Identifiers: Orphanet 119, MedGen C1858593, MONDO:0011423, OMIM 604286. Disease mechanism: Affects gamma-sarcoglycan and also disrupts the integrity of the entire sarcoglycan complex..

Submission:

Myriad Genetics, Inc.
Classification: Uncertain significance for Autosomal recessive limb-girdle muscular dystrophy type 2E. Last evaluated: 2025-12-29. Review status: criteria provided, single submitter. Criteria: Myriad Autosomal Dominant, Autosomal Recessive and X-Linked Classification Criteria (2023). Collection method: clinical testing. Allele origin: unknown.
Comment: NM_000232.4(SGCB):c.939delC(C314Vfs*18) is a readthrough frameshift variant classified as a variant of uncertain significance in the context of beta-sarcoglycanopathy. C314Vfs*18 has not been observed in cases with relevant disease. Relevant functional assessments of this variant are not available in the literature. C314Vfs*18 has not been observed in referenced population frequency databases. In summary, there is insufficient evidence to classify NM_000232.4(SGCB):c.939delC(C314Vfs*18) as pathogenic or benign. Please note: this variant was assessed in the context of healthy population screening.

NM_000232.5(SGCB):c.939del (p.Cys314fs)

Gene: SGCB (sarcoglycan beta; minus strand). Cytogenetic location: 4q12.
Variant type: Deletion.
Coding change: c.939del on transcript NM_000232.5 (MANE Select); coding-DNA position 939, one base deleted (C; older notation c.939delC).
Protein change: p.Cys314fs; shifts the reading frame from cysteine 314.
Molecular consequence: frameshift variant.
Genome position (GRCh38, 1-based): chr4:52,023,975, G deleted on the plus strand (C on the coding strand, the reverse complement: SGCB is on the minus strand); the first of 4 consecutive G bases (chr4:52,023,975-52,023,978); deleting any one gives the same sequence. VCF-style (leftmost placement, unchanged base first): chr4-52023974-AG-A. GRCh37 (hg19) VCF-style: chr4-52890140-AG-A.
Other names: c.729del, p.Cys244fs (NM_001440519.1); c.642del, p.Cys215fs (NM_001440520.1); short protein forms C244fs, C314fs, C215fs.
Identifiers: ClinVar variation 5004345 (VCV005004345.1).
Genomic context (GRCh38, chr4:52,023,974, plus strand): 5'-GTCAAGTCAAGATATAAACATGTTGGTGACCTCTGGGGTTCTTTTAATGAGTGTTTCCAC[AG>A]GGGTTGTCTGAGATTTGGCAGCCCATGTTCTGGCTGGTTACTTGCACCTTGAAGAGCGTC-3'